The following is an entry in ClinVar:

ClinVar aggregate classification (germline): Uncertain significance. Review status: criteria provided, multiple submitters, no conflicts (2 of 4 stars). 6 submissions from 6 submitters: Uncertain significance (6). Last evaluated 2025-04-08.

Conditions:
Malignant hyperthermia, susceptibility to, 1 (MHS1). Also called: RYR1-Related Malignant Hyperthermia Susceptibility; Malignant hyperthermia suceptibility 1; Anesthesia related hyperthermia; Malignant hyperpyrexia; Fulminating hyperpyrexia; Pharmacogenic myopathy. Identifiers: Orphanet 423, MedGen C2930980, MONDO:0007783, OMIM 145600.
Central core myopathy (CMYO1A). Also called: CONGENITAL MYOPATHY 1A, AUTOSOMAL DOMINANT, WITH SUSCEPTIBILITY TO MALIGNANT HYPERTHERMIA; Central core disease; Myopathy, central fibrillar. Identifiers: Orphanet 597, MedGen C5830701, MONDO:0007294, OMIM 117000.
Congenital myopathy with fiber type disproportion. Also called: Congenital fiber-type disproportion myopathy; Congenital fiber-type disproportion. Identifiers: Orphanet 2020, MedGen C0546264, MONDO:0009711. Inheritance: all.
Congenital multicore myopathy with external ophthalmoplegia (CMYO1B). Also called: MULTICORE MYOPATHY; Minicore myopathy with external ophthalmoplegia; Congenital myopathy 1B, autosomal recessive; Minicore myopathy; MULTIMINICORE DISEASE WITH EXTERNAL OPHTHALMOPLEGIA. Identifiers: Orphanet 598, Orphanet 98905, MedGen C1850674, MONDO:0009712, OMIM 255320, HP:0003789.
King Denborough syndrome (KDS). Identifiers: MedGen C1840365, MONDO:0020485, OMIM 619542.
Inborn genetic diseases. Identifiers: MedGen C0950123, MeSH D030342.
RYR1-related disorder. Also called: RYR1-related condition; RYR1-related disorders. Identifiers: MedGen CN239331.

Allele frequency attached by ClinVar (database versions not stated): gnomAD 0.00002; TOPMed 0.00003; ESP Exome Variant Server 0.00008.
gnomAD v4.1: 131 of 1,613,878 alleles (0.0081%); highest among the groups gnomAD compares: Non-Finnish European, 0.0098%; no homozygotes.

Submissions (6):

Ambry Genetics
Classification: Uncertain significance for Inborn genetic diseases. Last evaluated: 2025-04-08. Review status: criteria provided, single submitter. Criteria: Ambry Variant Classification Scheme 2023. Collection method: clinical testing. Allele origin: germline.

Color Diagnostics, LLC DBA Color Health
Classification: Uncertain significance for Malignant hyperthermia, susceptibility to, 1. Last evaluated: 2024-03-06. Review status: criteria provided, single submitter. Criteria: ACMG Guidelines, 2015. Collection method: clinical testing. Allele origin: germline.
Comment: This missense variant replaces leucine with valine at codon 458 of the RYR1 protein. Computational prediction is inconclusive regarding the impact of this variant on protein structure and function. To our knowledge, functional studies have not been reported for this variant. This variant has not been reported in individuals affected with RYR1-related disorders in the literature. This variant has not been identified in the general population by the Genome Aggregation Database (gnomAD). The available evidence is insufficient to determine the role of this variant in disease conclusively. Therefore, this variant is classified as a Variant of Uncertain Significance.

Blueprint Genetics
Classification: Uncertain significance. Last evaluated: 2023-07-12. Review status: criteria provided, single submitter. Criteria: ACMG Guidelines, 2015. Collection method: clinical testing. Allele origin: germline.

Labcorp Genetics (formerly Invitae), Labcorp
Classification: Uncertain significance for RYR1-related disorder. Last evaluated: 2022-08-09. Review status: criteria provided, single submitter. Criteria: Invitae Variant Classification Sherloc (09022015). Collection method: clinical testing. Allele origin: germline.
Comment: This sequence change replaces leucine, which is neutral and non-polar, with valine, which is neutral and non-polar, at codon 458 of the RYR1 protein (p.Leu458Val). This variant is present in population databases (rs369932139, gnomAD 0.01%). This variant has not been reported in the literature in individuals affected with RYR1-related conditions. ClinVar contains an entry for this variant (Variation ID: 544452). Advanced modeling of protein sequence and biophysical properties (such as structural, functional, and spatial information, amino acid conservation, physicochemical variation, residue mobility, and thermodynamic stability) performed at Invitae indicates that this missense variant is not expected to disrupt RYR1 protein function. In summary, the available evidence is currently insufficient to determine the role of this variant in disease. Therefore, it has been classified as a Variant of Uncertain Significance.

Fulgent Genetics
Classification: Uncertain significance for Central core myopathy; Malignant hyperthermia, susceptibility to, 1; Congenital myopathy 4A, autosomal dominant; Congenital multicore myopathy with external ophthalmoplegia; King Denborough syndrome. Last evaluated: 2021-08-17. Review status: criteria provided, single submitter. Criteria: ACMG Guidelines, 2015. Collection method: clinical testing. Allele origin: unknown.

Revvity Omics, Revvity
Classification: Uncertain significance. Last evaluated: 2020-11-20. Review status: criteria provided, single submitter. Criteria: ACMG Guidelines, 2015. Collection method: clinical testing. Allele origin: germline.

NM_000540.3(RYR1):c.1372T>G (p.Leu458Val)

Gene: RYR1 (ryanodine receptor 1; plus strand). Cytogenetic location: 19q13.2.
Variant type: single nucleotide variant.
Coding change: c.1372T>G on transcript NM_000540.3 (MANE Select); coding-DNA position 1372, T replaced by G.
Protein change: p.Leu458Val; replaces leucine 458 with valine.
Molecular consequence: missense variant.
Genome position (GRCh38, 1-based): chr19:38,452,946, T>G. VCF-style: chr19-38452946-T-G. GRCh37 (hg19) VCF-style: chr19-38943586-T-G.
Other names: c.1372T>G, p.Leu458Val (NM_001042723.2); short protein forms L458V.
Identifiers: ClinVar variation 544452 (VCV000544452.13), dbSNP rs369932139, ClinGen allele CA308120754.